The following is an entry in ClinVar:

ClinVar aggregate classification (germline): Uncertain significance. Review status: criteria provided, multiple submitters, no conflicts (2 of 4 stars). 2 submissions from 2 submitters: Uncertain significance (2). Last evaluated 2024-03-12.

Conditions:
Proteasome-associated autoinflammatory syndrome 1 (PRAAS1). Also called: Nakajo syndrome; JOINT CONTRACTURES, MUSCULAR ATROPHY, MICROCYTIC ANEMIA, AND PANNICULITIS-INDUCED LIPODYSTROPHY; JMP SYNDROME; AUTOINFLAMMATION, LIPODYSTROPHY, AND DERMATOSIS SYNDROME; NAKAJO-NISHIMURA SYNDROME; CHRONIC ATYPICAL NEUTROPHILIC DERMATOSIS WITH LIPODYSTROPHY AND ELEVATED TEMPERATURE SYNDROME. Identifiers: Orphanet 2615, Orphanet 324977, Orphanet 324999, Orphanet 325004, MedGen C4746851, MONDO:0054698, OMIM 256040.
Inborn genetic diseases. Identifiers: MedGen C0950123, MeSH D030342.

Allele frequency attached by ClinVar (database versions not stated): gnomAD exomes below 0.00001 and 0.00001; ExAC 0.00001; TOPMed 0.00008.

Submissions (2):

Ambry Genetics
Classification: Uncertain significance for Inborn genetic diseases. Last evaluated: 2024-03-12. Review status: criteria provided, single submitter. Criteria: Ambry Variant Classification Scheme 2023. Collection method: clinical testing. Allele origin: germline.

Labcorp Genetics (formerly Invitae), Labcorp
Classification: Uncertain significance for Proteosome-associated autoinflammatory syndrome. Last evaluated: 2022-08-09. Review status: criteria provided, single submitter. Criteria: Invitae Variant Classification Sherloc (09022015). Collection method: clinical testing. Allele origin: germline.
Comment: This sequence change replaces methionine, which is neutral and non-polar, with valine, which is neutral and non-polar, at codon 165 of the PSMB8 protein (p.Met165Val). This variant is present in population databases (rs747199589, gnomAD 0.02%). This variant has not been reported in the literature in individuals affected with PSMB8-related conditions. ClinVar contains an entry for this variant (Variation ID: 935206). Algorithms developed to predict the effect of missense changes on protein structure and function are either unavailable or do not agree on the potential impact of this missense change (SIFT: "Tolerated"; PolyPhen-2: "Possibly Damaging"; Align-GVGD: "Class C0"). In summary, the available evidence is currently insufficient to determine the role of this variant in disease. Therefore, it has been classified as a Variant of Uncertain Significance.

NM_148919.4(PSMB8):c.493A>G (p.Met165Val)

Gene: PSMB8 (proteasome 20S subunit beta 8; minus strand). Cytogenetic location: 6p21.32.
Variant type: single nucleotide variant.
Coding change: c.493A>G on transcript NM_148919.4 (MANE Select); coding-DNA position 493, A replaced by G.
Protein change: p.Met165Val; replaces methionine 165 with valine.
Molecular consequence: missense variant.
Genome position (GRCh38, 1-based): chr6:32,842,178, T>C on the plus strand (A>G on the coding strand, the complement: PSMB8 is on the minus strand). VCF-style: chr6-32842178-T-C. GRCh37 (hg19) VCF-style: chr6-32809955-T-C.
Other names: c.481A>G, p.Met161Val (NM_004159.5); short protein forms M161V, M165V.
Identifiers: ClinVar variation 935206 (VCV000935206.6), dbSNP rs747199589, ClinGen allele CA3746366.
Genomic context (GRCh38, chr6:32,842,178, plus strand): 5'-AATGGAGAGCACCCACCTTCTTATCCCAGCCACAGATCATACTGCCCATAGAGAGGCCCA[T>C]GCCCCGGTACTGGCACATCATGTTGGACAGCAGCTTGGAGGCTGCCGACACTGAAATACG-3'
Protein context (NP_683720.2, residues 155-175): LSNMMCQYRG[Met165Val]GLSMGSMICG